The following is an entry in ClinVar:

NM_001876.4(CPT1A):c.1997_1998insAAAA (p.Tyr666Ter)

Gene: CPT1A (carnitine palmitoyltransferase 1A; minus strand). Cytogenetic location: 11q13.3.
Variant type: Insertion.
Coding change: c.1997_1998insAAAA on transcript NM_001876.4 (MANE Select); coding-DNA positions 1997 to 1998, AAAA inserted.
Protein change: p.Tyr666Ter; replaces tyrosine 666 with a stop codon.
Molecular consequence: nonsense.
Genome position: GRCh38 VCF-style: chr11-68761565-A-ATTTT. GRCh37 (hg19) VCF-style: chr11-68529033-A-ATTTT.
Other names: c.1997_1998insAAAA, p.Tyr666Ter (NM_001031847.3); short protein forms Y666*.
Identifiers: ClinVar variation 370829 (VCV000370829.8), dbSNP rs1057516800, ClinGen allele CA16041534.

ClinVar aggregate classification (germline): Pathogenic. Review status: criteria provided, single submitter (1 of 4 stars). 2 submissions from 2 submitters: Pathogenic (1). 1 of the submissions does not count toward it. Last evaluated 2021-09-19.

Conditions:
Carnitine palmitoyl transferase 1A deficiency. Also called: Carnitine palmitoyltransferase 1A deficiency; CPT deficiency, hepatic, type IA; CPT I DEFICIENCY; CPT DEFICIENCY, HEPATIC, TYPE I; Carnitine palmitoyltransferase type I deficiency. Identifiers: Orphanet 156, MedGen C1829703, MONDO:0009705, OMIM 255120.

Submissions (2):

Labcorp Genetics (formerly Invitae), Labcorp
Classification: Pathogenic for Carnitine palmitoyl transferase 1A deficiency. Last evaluated: 2021-09-19. Review status: criteria provided, single submitter. Criteria: Invitae Variant Classification Sherloc (09022015). Collection method: clinical testing. Allele origin: germline.
Comment: For these reasons, this variant has been classified as Pathogenic. ClinVar contains an entry for this variant (Variation ID: 370829). This variant has not been reported in the literature in individuals affected with CPT1A-related conditions. This variant is not present in population databases (ExAC no frequency). This sequence change creates a premature translational stop signal (p.Tyr666*) in the CPT1A gene. It is expected to result in an absent or disrupted protein product. Loss-of-function variants in CPT1A are known to be pathogenic (PMID: 16169268).

Counsyl
Classification: Likely pathogenic for Carnitine palmitoyl transferase 1A deficiency. Last evaluated: 2016-04-21. Review status: no assertion criteria provided. Collection method: clinical testing. Allele origin: unknown. Not counted in ClinVar's aggregate classification.

Literature cited by the submitters: PubMed 16169268 (cited by Labcorp Genetics (formerly Invitae), Labcorp).